The following is an entry in ClinVar:

ClinVar aggregate classification (germline): Uncertain significance (1 of 4 stars; one submission).

Conditions:
Dilated cardiomyopathy 1KK (CMD1KK). Identifiers: Orphanet 154, Orphanet 75249, MedGen C3714995, MONDO:0014100, OMIM 615248.

Submission:

Labcorp Genetics (formerly Invitae), Labcorp
Classification: Uncertain significance for Dilated cardiomyopathy 1KK. Last evaluated: 2022-07-26. Review status: criteria provided, single submitter. Criteria: Invitae Variant Classification Sherloc (09022015). Collection method: clinical testing. Allele origin: germline.
Comment: In summary, the available evidence is currently insufficient to determine the role of this variant in disease. Therefore, it has been classified as a Variant of Uncertain Significance. Algorithms developed to predict the effect of missense changes on protein structure and function are either unavailable or do not agree on the potential impact of this missense change (SIFT: "Deleterious"; PolyPhen-2: "Benign"; Align-GVGD: "Class C0"). This variant has not been reported in the literature in individuals affected with MYPN-related conditions. This variant is not present in population databases (gnomAD no frequency). This sequence change replaces aspartic acid, which is acidic and polar, with asparagine, which is neutral and polar, at codon 58 of the MYPN protein (p.Asp58Asn).

NM_032578.4(MYPN):c.172G>A (p.Asp58Asn)

Gene: MYPN (myopalladin; plus strand). Cytogenetic location: 10q21.3.
Variant type: single nucleotide variant.
Coding change: c.172G>A on transcript NM_032578.4 (MANE Select); coding-DNA position 172, G replaced by A.
Protein change: p.Asp58Asn; replaces aspartic acid 58 with asparagine.
Molecular consequence: missense variant. On other transcripts: 5 prime UTR variant (1), non-coding transcript variant (1).
Genome position (GRCh38, 1-based): chr10:68,121,610, G>A. VCF-style: chr10-68121610-G-A. GRCh37 (hg19) VCF-style: chr10-69881367-G-A.
Other names: c.172G>A, p.Asp58Asn (NM_001256267.2); c.-951G>A (NM_001256268.2); short protein forms D58N.
Identifiers: ClinVar variation 2075212 (VCV002075212.4), dbSNP rs1298833096, ClinGen allele CA377103752.